The following is an entry in ClinVar:

NM_001378452.1(ITPR1):c.7536C>A (p.Asn2512Lys)

Gene: ITPR1 (inositol 1,4,5-trisphosphate receptor type 1; plus strand). Cytogenetic location: 3p26.1.
Variant type: single nucleotide variant.
Coding change: c.7536C>A on transcript NM_001378452.1 (MANE Select); coding-DNA position 7536, C replaced by A.
Protein change: p.Asn2512Lys; replaces asparagine 2512 with lysine.
Molecular consequence: missense variant.
Genome position (GRCh38, 1-based): chr3:4,813,209, C>A. VCF-style: chr3-4813209-C-A. GRCh37 (hg19) VCF-style: chr3-4854893-C-A.
Other names: c.7392C>A, p.Asn2464Lys (NM_001099952.4); c.7491C>A, p.Asn2497Lys (NM_001168272.2); c.7347C>A, p.Asn2449Lys (NM_002222.7); short protein forms N2449K, N2464K, N2497K, N2512K.
Identifiers: ClinVar variation 2653459 (VCV002653459.24), dbSNP rs2470171756, ClinGen allele CA351648814.

ClinVar aggregate classification (germline): Uncertain significance (1 of 4 stars; one submission).

Submission:

CeGaT Center for Human Genetics Tuebingen
Classification: Uncertain significance. Last evaluated: 2022-11-01. Review status: criteria provided, single submitter. Criteria: CeGaT Center For Human Genetics Tuebingen Variant Classification Criteria Version 2. Collection method: clinical testing. Allele origin: germline. Affected: yes. Observed: 1 variant allele.
Comment: ITPR1: PM2